The following is an entry in ClinVar:

NM_000363.5(TNNI3):c.485G>C (p.Arg162Pro)

Gene: TNNI3 (troponin I3, cardiac type; minus strand). Cytogenetic location: 19q13.42.
Variant type: single nucleotide variant.
Coding change: c.485G>C on transcript NM_000363.5 (MANE Select); coding-DNA position 485, G replaced by C.
Protein change: p.Arg162Pro; replaces arginine 162 with proline.
Molecular consequence: missense variant.
Genome position (GRCh38, 1-based): chr19:55,154,094, C>G on the plus strand (G>C on the coding strand, the complement: TNNI3 is on the minus strand). VCF-style: chr19-55154094-C-G. GRCh37 (hg19) VCF-style: chr19-55665462-C-G.
Other names: short protein forms R162P.
Identifiers: ClinVar variation 43390 (VCV000043390.21), dbSNP rs397516354, ClinGen allele CA021749.

ClinVar aggregate classification (germline): Pathogenic/Likely pathogenic. Review status: criteria provided, multiple submitters, no conflicts (2 of 4 stars). 6 submissions from 6 submitters: Pathogenic (2); Likely pathogenic (4). Last evaluated 2026-07-01.

Conditions:
Cardiovascular phenotype. Identifiers: MedGen CN230736.
Hypertrophic cardiomyopathy 7. Also called: TNNI3-Related Familial Hypertrophic Cardiomyopathy; Familial hypertrophic cardiomyopathy 7; CARDIOMYOPATHY, FAMILIAL HYPERTROPHIC, 7, MODIFIER OF. Identifiers: MedGen C1860752, MONDO:0013369, OMIM 613690.
Primary familial hypertrophic cardiomyopathy (HCM). Identifiers: Orphanet 99739, MedGen C0949658, MeSH D024741, MONDO:0024573. Inheritance: Various modes of inheritance.
Hypertrophic cardiomyopathy. Also called: HYPERTROPHIC MYOCARDIOPATHY. Identifiers: Orphanet 217569, MedGen C0007194, MeSH D002312, MONDO:0005045, HP:0001639.

Submissions (6):

CeGaT Center for Human Genetics Tuebingen
Classification: Pathogenic. Last evaluated: 2026-07-01. Review status: criteria provided, single submitter. Criteria: CeGaT Center For Human Genetics Tuebingen Variant Classification Criteria Version 2. Collection method: clinical testing. Allele origin: germline. Affected: yes. Observed: 1 variant allele.
Comment: TNNI3: PM1, PM2, PM5, PS4:Moderate, PM6:Supporting, PS3:Supporting

Petrovsky National Research Centre of Surgery, The Federal Agency for Scientific Organizations
Classification: Likely pathogenic for Primary familial hypertrophic cardiomyopathy. Last evaluated: 2025-11-18. Review status: criteria provided, single submitter. Criteria: ACMG Guidelines, 2015. Collection method: research. Allele origin: unknown. Inheritance: Autosomal dominant inheritance. Affected: yes. Observed: 1 heterozygote.
Comment: Clinvar (VCV000043390.18) contains 4 conflicting entries for this variant (1 as Pathogenic and 3 as Likely pathogenic). ClinGen classified this variant as likely pathogenic. This variant has been reported at least in 9 probands with hypertrophic cardiomyopathy and sudden cardiac death (PMID: 12707239, 12860912, 15698845, 25524337, 25611685, 28356264, 30975432, 33407484) (PS4_Strong). Variant NM_000363.5:c.485G>C (p.Arg162Pro) is located in a mutational hot spot (Codons 141-209 according Walsh et al. 2019 (PMID: 30696458)) (PM1_ moderate). Substitutions for Gln and Trp in the same codon are described as pathogenic (PM5_ Moderate). Variant NM_000363.5:c.485G>C (p.Arg162Pro) is absent in The Genome Aggregation Database (gnomAD) v4.1.0 (Date of access with 18-11-2025). REVEL score is inconclusive.

3billion
Classification: Likely pathogenic for Hypertrophic cardiomyopathy 7. Last evaluated: 2025-11-17. Review status: criteria provided, single submitter. Criteria: ACMG Guidelines, 2015. Collection method: clinical testing. Allele origin: germline. Affected: yes.
Comment: The variant is not observed in the gnomAD v4.1.0 dataset. Predicted Consequence/Location: Missense variant In silico tool predictions suggest damaging effect of the variant on gene or gene product [REVEL: 0.64 (>=0.6, sensitivity 0.68 and specificity 0.92); 3Cnet: 0.99 (> 0.75, sensitivity 0.96 and precision 0.92)]. The same nucleotide change resulting in the same amino acid change has been previously reported as pathogenic/likely pathogenic with strong evidence (ClinVar ID: VCV000043390 /PMID: 12707239 /3billion dataset). Different missense changes at the same codon (p.Arg162Gln, p.Arg162Leu, p.Arg162Trp) have been reported as pathogenic/likely pathogenic with strong evidence (ClinVar ID: VCV000043389, VCV000161396, VCV000626844 /PMID: 12860912, 37652022, 9241277 /3billion dataset). Therefore, this variant is classified as Likely pathogenic according to the recommendation of ACMG/AMP guideline.

Labcorp Genetics (formerly Invitae), Labcorp
Classification: Pathogenic for Hypertrophic cardiomyopathy. Last evaluated: 2025-09-22. Review status: criteria provided, single submitter. Criteria: Invitae Variant Classification Sherloc (09022015). Collection method: clinical testing. Allele origin: germline.
Comment: This sequence change replaces arginine, which is basic and polar, with proline, which is neutral and non-polar, at codon 162 of the TNNI3 protein (p.Arg162Pro). This variant is not present in population databases (gnomAD no frequency). This missense change has been observed in individuals with hypertrophic cardiomyopathy (PMID: 12707239, 15698845, 25524337, 27532257, 28356264). ClinVar contains an entry for this variant (Variation ID: 43390). An algorithm developed to predict the effect of missense changes on protein structure and function (PolyPhen-2) suggests that this variant is likely to be disruptive. Experimental studies have shown that this missense change affects TNNI3 function (PMID: 15698845). This variant disrupts the p.Arg162 amino acid residue in TNNI3. Other variant(s) that disrupt this residue have been determined to be pathogenic (PMID: 9241277, 10806205, 11735257, 15607392, 15698845, 15992656, 16352453, 21799269, 21896538, 22429680, 22876777, 27532257). This suggests that this residue is clinically significant, and that variants that disrupt this residue are likely to be disease-causing. For these reasons, this variant has been classified as Pathogenic.

Ambry Genetics
Classification: Likely pathogenic for Cardiovascular phenotype. Last evaluated: 2023-01-12. Review status: criteria provided, single submitter. Criteria: Ambry General Variant Classification Scheme_2022. Collection method: clinical testing. Allele origin: germline.
Comment: The p.R162P variant (also known as c.485G>C), located in coding exon 7 of the TNNI3 gene, results from a G to C substitution at nucleotide position 485. The arginine at codon 162 is replaced by proline, an amino acid with dissimilar properties. This variant has been detected in several unrelated individuals reported to have hypertrophic cardiomyopathy (HCM) (Richard P et al. Circulation, 2003 May;107:2227-32; Doolan A et al. J. Mol. Cell. Cardiol., 2005 Feb;38:387-93; Coppini R et al. J Am Coll Cardiol, 2014 Dec;64:2589-2600; G&oacute;mez J et al. Circ Cardiovasc Genet, 2017 Apr;10; Asatryan B et al. Am J Cardiol, 2019 06;123:2031-2038). In an in vitro study, this variant was reported to impact protein-protein interactions of the troponin complex (Doolan A et al. J. Mol. Cell. Cardiol., 2005 Feb;38:387-93). Other variants affecting this codon (p.R162Q, c.485G>A and p.R162W, c.484C>T) have also been reported in association with HCM (Mogensen J et al. J Am Coll Cardiol. 2004; 44(12):2315-25; Garcia-Pavia P et al. Eur. J. Heart Fail. 2011;13:1193-201). This variant is considered to be rare based on population cohorts in the Genome Aggregation Database (gnomAD). This amino acid position is not well conserved in available vertebrate species. In addition, this alteration is predicted to be tolerated by in silico analysis. Based on the majority of available evidence to date, this variant is likely to be pathogenic.

Laboratory for Molecular Medicine, Mass General Brigham Personalized Medicine
Classification: Likely pathogenic for Hypertrophic cardiomyopathy. Last evaluated: 2022-08-10. Review status: criteria provided, single submitter. Criteria: ACMG Guidelines, 2015. Collection method: clinical testing. Allele origin: germline. Inheritance: Autosomal dominant inheritance.
Comment: The p.Arg162Pro variant in TNNI3 has been reported in at least 7 individuals with hypertrophic cardiomyopathy (HCM) and segregated with disease in 4 affected relatives from 2 families (Richard 2003 PMID: 12707239, Doolan 2005 PMID: 15698845, Ingles 2005 PMID: 16199542, Keller 2009, Coppini 2014 PMID: 25524337, Alfares 2015 PMID: 25611685, Gomez 2017 PMID: 28356264, Walsh 2017 PMID: 27532257, Asatryan 2019 PMID: 30975432, Chung 2021 PMID: 33407484, LMM data). This variant has also been reported by other clinical laboratories in ClinVar (Variation ID# 43390) and was absent from large population studies. In vitro functional studies provide some evidence that this variant may impact protein function (Doolan 2005 PMID: 15698845). Computational prediction tools and conservation analyses do not provide strong support for or against an impact to the protein. Additionally, two other variants involving this codon, p.Arg162Gln and p.Arg162Trp, have been classified as likely pathogenic by this laboratory. In summary, this variant meets criteria to be classified as pathogenic for autosomal dominant hypertrophic cardiomyopathy. ACMG/AMP Criteria applied: PS4_Moderate, PP1, PM2_Supporting, PS3_Supporting, PM5.

Literature cited by the submitters: PubMed 12707239 (cited by 5 submitters); PubMed 12860912 (cited by Petrovsky National Research Centre of Surgery, The Federal Agency for Scientific Organizations and 3billion); PubMed 15698845 (cited by 4 submitters); PubMed 25524337 (cited by 4 submitters); PubMed 25611685 (cited by Petrovsky National Research Centre of Surgery, The Federal Agency for Scientific Organizations and Laboratory for Molecular Medicine, Mass General Brigham Personalized Medicine); PubMed 28356264 (cited by 4 submitters); PubMed 30975432 (cited by 3 submitters); PubMed 33407484 (cited by 3 submitters); PubMed 27532257 (cited by 3 submitters); PubMed 9241277 (cited by Labcorp Genetics (formerly Invitae), Labcorp); PubMed 10806205 (cited by Labcorp Genetics (formerly Invitae), Labcorp); PubMed 11735257 (cited by Labcorp Genetics (formerly Invitae), Labcorp); PubMed 15607392 (cited by Labcorp Genetics (formerly Invitae), Labcorp); PubMed 15992656 (cited by Labcorp Genetics (formerly Invitae), Labcorp); PubMed 16352453 (cited by Labcorp Genetics (formerly Invitae), Labcorp); PubMed 21799269 (cited by Labcorp Genetics (formerly Invitae), Labcorp); PubMed 21896538 (cited by Labcorp Genetics (formerly Invitae), Labcorp); PubMed 22429680 (cited by Labcorp Genetics (formerly Invitae), Labcorp); PubMed 22876777 (cited by Labcorp Genetics (formerly Invitae), Labcorp); PubMed 16199542 (cited by Ambry Genetics and Laboratory for Molecular Medicine, Mass General Brigham Personalized Medicine); PubMed 22072597 (cited by Ambry Genetics); PubMed 28408708 (cited by Ambry Genetics); PubMed 33658040 (cited by Ambry Genetics).